The following is an entry in ClinVar:

ClinVar aggregate classification (germline): Uncertain significance (1 of 4 stars; one submission).

Conditions:
Peroxisome biogenesis disorder 3A (Zellweger). Also called: PEROXISOMAL BIOGENESIS DISORDER 3A (ZELLWEGER); Peroxisome biogenesis disorder 3A. Identifiers: Orphanet 912, MedGen C3553929, MONDO:0013927, OMIM 614859.

Submission:

Labcorp Genetics (formerly Invitae), Labcorp
Classification: Uncertain significance for Peroxisome biogenesis disorder 3A (Zellweger). Last evaluated: 2025-05-05. Review status: criteria provided, single submitter. Criteria: Invitae Variant Classification Sherloc (09022015). Collection method: clinical testing. Allele origin: germline.
Comment: This sequence change replaces arginine, which is basic and polar, with cysteine, which is neutral and slightly polar, at codon 308 of the PEX12 protein (p.Arg308Cys). This variant is present in population databases (rs779617735, gnomAD 0.006%). This variant has not been reported in the literature in individuals affected with PEX12-related conditions. Invitae Evidence Modeling of protein sequence and biophysical properties (such as structural, functional, and spatial information, amino acid conservation, physicochemical variation, residue mobility, and thermodynamic stability) indicates that this missense variant is not expected to disrupt PEX12 protein function with a negative predictive value of 80%. In summary, the available evidence is currently insufficient to determine the role of this variant in disease. Therefore, it has been classified as a Variant of Uncertain Significance.

NM_000286.3(PEX12):c.922C>T (p.Arg308Cys)

Gene: PEX12 (peroxisomal biogenesis factor 12; minus strand). Cytogenetic location: 17q12.
Variant type: single nucleotide variant.
Coding change: c.922C>T on transcript NM_000286.3 (MANE Select); coding-DNA position 922, C replaced by T.
Protein change: p.Arg308Cys; replaces arginine 308 with cysteine.
Molecular consequence: missense variant.
Genome position (GRCh38, 1-based): chr17:35,575,940, G>A on the plus strand (C>T on the coding strand, the complement: PEX12 is on the minus strand). VCF-style: chr17-35575940-G-A. GRCh37 (hg19) VCF-style: chr17-33902959-G-A.
Other names: short protein forms R308C.
Identifiers: ClinVar variation 4725631 (VCV004725631.1).